The following is an entry in ClinVar:

ClinVar aggregate classification (germline): Uncertain significance. Review status: criteria provided, multiple submitters, no conflicts (2 of 4 stars). 3 submissions from 3 submitters: Uncertain significance (3). Last evaluated 2025-12-11.

Conditions:
Inborn genetic diseases. Identifiers: MedGen C0950123, MeSH D030342.
Autoinflammatory syndrome, familial, Behcet-like 1 (AIFBL1). Also called: Haploinsufficiency of A20. Identifiers: Orphanet 674762, MedGen C4225218, MONDO:0800045, OMIM 616744.

Allele frequency attached by ClinVar (database versions not stated): gnomAD 0.00004; TOPMed 0.00005.

Submissions (3):

Ambry Genetics
Classification: Uncertain significance for Inborn genetic diseases. Last evaluated: 2025-12-11. Review status: criteria provided, single submitter. Criteria: Ambry Variant Classification Scheme 2023. Collection method: clinical testing. Allele origin: germline.

Labcorp Genetics (formerly Invitae), Labcorp
Classification: Uncertain significance. Last evaluated: 2025-11-01. Review status: criteria provided, single submitter. Criteria: Invitae Variant Classification Sherloc (09022015). Collection method: clinical testing. Allele origin: germline.
Comment: This sequence change replaces phenylalanine, which is neutral and non-polar, with leucine, which is neutral and non-polar, at codon 394 of the TNFAIP3 protein (p.Phe394Leu). This variant is present in population databases (rs762710607, gnomAD 0.01%). This variant has not been reported in the literature in individuals affected with TNFAIP3-related conditions. ClinVar contains an entry for this variant (Variation ID: 1522948). Invitae Evidence Modeling of protein sequence and biophysical properties (such as structural, functional, and spatial information, amino acid conservation, physicochemical variation, residue mobility, and thermodynamic stability) indicates that this missense variant is not expected to disrupt TNFAIP3 protein function with a negative predictive value of 80%. In summary, the available evidence is currently insufficient to determine the role of this variant in disease. Therefore, it has been classified as a Variant of Uncertain Significance.

Fulgent Genetics
Classification: Uncertain significance for Autoinflammatory syndrome, familial, Behcet-like 1. Last evaluated: 2022-01-12. Review status: criteria provided, single submitter. Criteria: ACMG Guidelines, 2015. Collection method: clinical testing. Allele origin: unknown.

NM_001270508.2(TNFAIP3):c.1182C>A (p.Phe394Leu)

Gene: TNFAIP3 (TNF alpha induced protein 3; plus strand). Cytogenetic location: 6q23.3.
Variant type: single nucleotide variant.
Coding change: c.1182C>A on transcript NM_001270508.2 (MANE Select); coding-DNA position 1182, C replaced by A.
Protein change: p.Phe394Leu; replaces phenylalanine 394 with leucine.
Molecular consequence: missense variant.
Genome position (GRCh38, 1-based): chr6:137,878,627, C>A. VCF-style: chr6-137878627-C-A. GRCh37 (hg19) VCF-style: chr6-138199764-C-A.
Other names: c.1182C>A (NM_006290.2); c.1182C>A, p.Phe394Leu (NM_001270507.2, NM_006290.4); short protein forms F394L.
Identifiers: ClinVar variation 1522948 (VCV001522948.10), dbSNP rs762710607, ClinGen allele CA4019586.
Genomic context (GRCh38, chr6:137,878,627, plus strand): 5'-ACCTTCCGTGCCCCAGCTTTCTCTCATGGATGTAAAATGTGAAACGCCCAACTGCCCCTT[C>A]TTCATGTCTGTGAACACCCAGCCTTTATGCCATGAGTGCTCAGAGAGGCGGCAAAAGAAT-3'
Protein context (NP_001257437.1, residues 384-404): DVKCETPNCP[Phe394Leu]FMSVNTQPLC